The following is an entry in ClinVar:

ClinVar aggregate classification (germline): Likely pathogenic (1 of 4 stars; one submission).

Conditions:
Hyperlipoproteinemia, type I. Also called: HYPERLIPOPROTEINEMIA, TYPE IA; LPL DEFICIENCY; Lipase D deficiency; Familial Lipoprotein Lipase Deficiency; Hyperlipoproteinemia type 1; Hyperchylomicro-nemia familial. Identifiers: Orphanet 309015, Orphanet 444490, MedGen C0023817, MONDO:0009387, OMIM 238600. Disease mechanism: loss of function.
Hyperlipidemia, familial combined, LPL related (FCHL3). Also called: Hyperapobetalipoproteinemia. Identifiers: MedGen C0020474, MONDO:0007759, OMIM 144250, HP:0008158.

Submission:

Juno Genomics, Hangzhou Juno Genomics, Inc
Classification: Likely pathogenic for Hyperlipoproteinemia, type I; Hyperlipidemia, familial combined, LPL related. Review status: criteria provided, single submitter. Criteria: ACMG Guidelines, 2015. Collection method: clinical testing. Allele origin: germline. Affected: yes.
Comment: Absent from controls (or at extremely low frequency if recessive) in Genome Aggregation Database, Exome Sequencing Project, 1000 Genomes Project, or Exome Aggregation Consortium.;Null variant in a gene where loss of function (LOF) is a known mechanism of disease.

NM_000237.3(LPL):c.250dup

Gene: LPL (lipoprotein lipase; plus strand). Cytogenetic location: 8p21.3.
Variant type: Duplication.
Coding change: c.250dup on transcript NM_000237.3 (MANE Select); coding-DNA position 250, one base duplicated (G; older notation c.250dupG).
Molecular consequence: splice acceptor variant.
Genome position (GRCh38, 1-based): chr8:19,951,769, G duplicated; the last of 2 consecutive G bases (chr8:19,951,768-19,951,769); duplicating either gives the same sequence. VCF-style (leftmost placement, unchanged base first): chr8-19951767-A-AG. GRCh37 (hg19) VCF-style: chr8-19809278-A-AG.
Identifiers: ClinVar variation 4531218 (VCV004531218.1).
Genomic context (GRCh38, chr8:19,951,767, plus strand): 5'-CTGATGTATCTATGACAAGTGGTAGGTGGGTATTTTAAGAAAGCTTGTGTCATCATCTTC[A>AG]GGTAACAGGAATGTATGAGAGTTGGGTGCCAAAACTTGTGGCCGCCCTGTACAAGAGAGA-3'